The following is an entry in ClinVar:

ClinVar aggregate classification (germline): Uncertain significance (1 of 4 stars; one submission).

Conditions:
Chuvash polycythemia. Also called: POLYCYTHEMIA, VHL-DEPENDENT. Identifiers: Orphanet 238557, MedGen C1837915, MONDO:0009892, OMIM 263400.
Von Hippel-Lindau syndrome (VHLS). Also called: VHL syndrome; von Hippel–Lindau syndrome; Von Hippel-Lindau. Identifiers: Orphanet 892, MedGen C0019562, MONDO:0008667, OMIM 193300. Disease mechanism: loss of function.

Submission:

Labcorp Genetics (formerly Invitae), Labcorp
Classification: Uncertain significance for Von Hippel-Lindau syndrome; Chuvash polycythemia. Last evaluated: 2024-04-16. Review status: criteria provided, single submitter. Criteria: Invitae Variant Classification Sherloc (09022015). Collection method: clinical testing. Allele origin: germline.
Comment: This sequence change falls in intron 1 of the VHL gene. It is not expected to change the encoded amino acid sequence of the VHL protein. However, this sequence change falls within a cryptic exon in the VHL gene, known as exon E1’, which is naturally expressed at low levels in several human tissues (PMID: 29891534). This variant is not present in population databases (gnomAD no frequency). This variant has not been reported in the literature in individuals affected with VHL-related conditions. ClinVar contains an entry for this variant (Variation ID: 1397002). Experimental studies and prediction algorithms are not available or were not evaluated, and the functional significance of this variant is currently unknown. Algorithms developed to predict the effect of sequence changes on RNA splicing suggest that this variant is not likely to affect RNA splicing. In summary, the available evidence is currently insufficient to determine the role of this variant in disease. Therefore, it has been classified as a Variant of Uncertain Significance.

Literature cited by the submitters: PubMed 29891534.

NM_000551.4(VHL):c.340+808_340+809dup

Genes: VHL (von Hippel-Lindau tumor suppressor; plus strand), LOC107303340 (3p25 von Hippel-Lindau tumor suppressor, E3 ubiquitin protein ligase Alu-mediated recombination region; plus strand). Cytogenetic location: 3p25.3.
Variant type: Duplication.
Coding change: c.340+808_340+809dup on transcript NM_000551.4 (MANE Select); bases 808 to 809 of the intron after coding-DNA position 340, 2 bases duplicated (GA; older notation c.340+808_340+809dupGA).
Molecular consequence: intron variant. On other transcripts: frameshift variant (1).
Genome position (GRCh38, 1-based): chr3:10,142,995-10,142,996, GA duplicated. VCF-style (leftmost placement, unchanged base first): chr3-10142994-G-GGA. GRCh37 (hg19) VCF-style: chr3-10184678-G-GGA.
Other names: c.573_574dup, p.Met192fs (NM_001354723.2); c.340+808_340+809dup (NM_198156.3); short protein forms M192fs.
Identifiers: ClinVar variation 1397002 (VCV001397002.6), dbSNP rs2125126119, ClinGen allele CA2573136145.